The following is an entry in ClinVar:

ClinVar aggregate classification (germline): Uncertain significance (1 of 4 stars; one submission).

Allele frequency attached by ClinVar (database versions not stated): gnomAD exomes below 0.00001; TOPMed below 0.00001; gnomAD 0.00001.
gnomAD v4.1: 5 of 1,482,494 alleles (0.00034%); highest among the groups gnomAD compares: Non-Finnish European, 0.00036%; no homozygotes.

Submission:

Labcorp Genetics (formerly Invitae), Labcorp
Classification: Uncertain significance. Last evaluated: 2024-11-22. Review status: criteria provided, single submitter. Criteria: Invitae Variant Classification Sherloc (09022015). Collection method: clinical testing. Allele origin: germline.
Comment: This sequence change replaces proline, which is neutral and non-polar, with leucine, which is neutral and non-polar, at codon 908 of the GRIN2D protein (p.Pro908Leu). The frequency data for this variant in the population databases is considered unreliable, as metrics indicate poor data quality at this position in the gnomAD database. This variant has not been reported in the literature in individuals affected with GRIN2D-related conditions. ClinVar contains an entry for this variant (Variation ID: 1379858). Invitae Evidence Modeling of protein sequence and biophysical properties (such as structural, functional, and spatial information, amino acid conservation, physicochemical variation, residue mobility, and thermodynamic stability) indicates that this missense variant is not expected to disrupt GRIN2D protein function with a negative predictive value of 95%. In summary, the available evidence is currently insufficient to determine the role of this variant in disease. Therefore, it has been classified as a Variant of Uncertain Significance.

NM_000836.4(GRIN2D):c.2723C>T (p.Pro908Leu)

Gene: GRIN2D (glutamate ionotropic receptor NMDA type subunit 2D; plus strand). Cytogenetic location: 19q13.33.
Variant type: single nucleotide variant.
Coding change: c.2723C>T on transcript NM_000836.4 (MANE Select); coding-DNA position 2723, C replaced by T.
Protein change: p.Pro908Leu; replaces proline 908 with leucine.
Molecular consequence: missense variant.
Genome position (GRCh38, 1-based): chr19:48,442,649, C>T. VCF-style: chr19-48442649-C-T. GRCh37 (hg19) VCF-style: chr19-48945906-C-T.
Other names: short protein forms P908L.
Identifiers: ClinVar variation 1379858 (VCV001379858.8), dbSNP rs1438389887, ClinGen allele CA406671268.